The following is an entry in ClinVar:

NM_001382567.1(STIM1):c.1525A>C (p.Thr509Pro)

Gene: STIM1 (stromal interaction molecule 1; plus strand). Cytogenetic location: 11p15.4.
Variant type: single nucleotide variant.
Coding change: c.1525A>C on transcript NM_001382567.1 (MANE Select); coding-DNA position 1525, A replaced by C.
Protein change: p.Thr509Pro; replaces threonine 509 with proline.
Molecular consequence: missense variant. On other transcripts: intron variant (15).
Genome position (GRCh38, 1-based): chr11:4,084,723, A>C. VCF-style: chr11-4084723-A-C. GRCh37 (hg19) VCF-style: chr11-4105953-A-C.
Other names: p.?; c.1474+1225A>C (NM_003156.3, NM_001277962.2, NM_003156.4 and 1 more transcripts); c.1252+1225A>C (NM_001382578.1, NM_001382575.1, NM_001382576.1 and 3 more transcripts); c.985+1225A>C (NM_001382580.1, NM_001382581.1); c.1495+1225A>C (NM_001382568.1); c.1246+1225A>C (NM_001382570.1); c.1339+1225A>C (NM_001382569.1); c.994+1225A>C (NM_001382571.1); short protein forms T509P.
Identifiers: ClinVar variation 2672453 (VCV002672453.24), dbSNP rs553648008, ClinGen allele CA5830490.

ClinVar aggregate classification (germline): Benign/Likely benign. Review status: criteria provided, multiple submitters, no conflicts (2 of 4 stars). 2 submissions from 2 submitters: Benign (1); Likely benign (1). Last evaluated 2026-04-01.

Allele frequency attached by ClinVar (database versions not stated): ExAC 0.00111; 1000 Genomes Project 30x 0.00016.
gnomAD v4.1: 2,238 of 1,289,314 alleles (0.17%); highest among the groups gnomAD compares: Middle Eastern, 0.3%; 5 homozygotes.

Submissions (2):

CeGaT Center for Human Genetics Tuebingen
Classification: Likely benign. Last evaluated: 2026-04-01. Review status: criteria provided, single submitter. Criteria: CeGaT Center For Human Genetics Tuebingen Variant Classification Criteria Version 2. Collection method: clinical testing. Allele origin: germline. Affected: yes. Observed: 9 variant alleles.
Comment: STIM1: BS2

Mayo Clinic Laboratories, Mayo Clinic
Classification: Benign. Last evaluated: 2024-06-26. Review status: criteria provided, single submitter. Criteria: ACMG Guidelines, 2015. Collection method: clinical testing. Allele origin: germline. Observed: 4 variant alleles.
Comment: BS1, BS2, BP4, BP7